The following is an entry in ClinVar:

NM_001457.4(FLNB):c.2484+4C>T

Gene: FLNB (filamin B; plus strand). Cytogenetic location: 3p14.3.
Variant type: single nucleotide variant.
Coding change: c.2484+4C>T on transcript NM_001457.4 (MANE Select); 4 bases into the intron after coding-DNA position 2484, C replaced by T.
Molecular consequence: intron variant.
Genome position (GRCh38, 1-based): chr3:58,110,174, C>T. VCF-style: chr3-58110174-C-T. GRCh37 (hg19) VCF-style: chr3-58095901-C-T.
Other names: c.2484+4C>T (NM_001164317.2, NM_001164318.2, NM_001164319.2).
Identifiers: ClinVar variation 2893188 (VCV002893188.3), dbSNP rs772831875, ClinGen allele CA2468128.
Genomic context (GRCh38, chr3:58,110,174, plus strand): 5'-AAATATGTGCCTCCTGCTGCTGGGCGATACACTATCAAAGTTCTCTTTGCATCTCAGGTA[C>T]GTGGTGGGGCCTGGGAGGAGATGGGTGGAGTAGGCCTGGATTCTCTTTGGCCACTTGTGT-3'

ClinVar aggregate classification (germline): Uncertain significance (1 of 4 stars; one submission).

Allele frequency attached by ClinVar (database versions not stated): TOPMed 0.00002; ExAC 0.00003; gnomAD exomes 0.00001; gnomAD 0.00002.
gnomAD v4.1: 15 of 1,614,036 alleles (0.00093%); highest among the groups gnomAD compares: South Asian, 0.012%; no homozygotes.

Submission:

Labcorp Genetics (formerly Invitae), Labcorp
Classification: Uncertain significance. Last evaluated: 2025-12-15. Review status: criteria provided, single submitter. Criteria: Invitae Variant Classification Sherloc (09022015). Collection method: clinical testing. Allele origin: germline.
Comment: This sequence change falls in intron 16 of the FLNB gene. It does not directly change the encoded amino acid sequence of the FLNB protein. It affects a nucleotide within the consensus splice site. This variant is present in population databases (rs772831875, gnomAD 0.02%). This variant has not been reported in the literature in individuals affected with FLNB-related conditions. ClinVar contains an entry for this variant (Variation ID: 2893188). Variants that disrupt the consensus splice site are a relatively common cause of aberrant splicing (PMID: 17576681, 9536098). Algorithms developed to predict the effect of sequence changes on RNA splicing suggest that this variant is not likely to affect RNA splicing. In summary, the available evidence is currently insufficient to determine the role of this variant in disease. Therefore, it has been classified as a Variant of Uncertain Significance.

Literature cited by the submitters: PubMed 17576681; PubMed 9536098.